The following is an entry in ClinVar:

NM_003482.4(KMT2D):c.12573G>A (p.Met4191Ile)

Gene: KMT2D (lysine methyltransferase 2D; minus strand). Cytogenetic location: 12q13.12.
Variant type: single nucleotide variant.
Coding change: c.12573G>A on transcript NM_003482.4 (MANE Select); coding-DNA position 12573, G replaced by A.
Protein change: p.Met4191Ile; replaces methionine 4191 with isoleucine.
Molecular consequence: missense variant.
Genome position (GRCh38, 1-based): chr12:49,032,132, C>T on the plus strand (G>A on the coding strand, the complement: KMT2D is on the minus strand). VCF-style: chr12-49032132-C-T. GRCh37 (hg19) VCF-style: chr12-49425915-C-T.
Other names: short protein forms M4191I.
Identifiers: ClinVar variation 1879234 (VCV001879234.30), dbSNP rs2120428587, ClinGen allele CA384710748.

ClinVar aggregate classification (germline): Uncertain significance. Review status: criteria provided, multiple submitters, no conflicts (2 of 4 stars). 2 submissions from 2 submitters: Uncertain significance (2). Last evaluated 2022-12-01.

Conditions:
Kabuki syndrome 1 (KABUK1). Also called: KMT2D-Related Kabuki Syndrome. Identifiers: Orphanet 2322, MedGen CN030661, MONDO:0007843, OMIM 147920.
Choanal atresia-athelia-hypothyroidism-delayed puberty-short stature syndrome (BCAHH). Also called: BRANCHIAL ARCH ABNORMALITIES, CHOANAL ATRESIA, ATHELIA, HEARING LOSS, AND HYPOTHYROIDISM SYNDROME. Identifiers: Orphanet 589856, MedGen C5680310, MONDO:0035651, OMIM 620186.

Submissions (2):

CeGaT Center for Human Genetics Tuebingen
Classification: Uncertain significance. Last evaluated: 2022-12-01. Review status: criteria provided, single submitter. Criteria: CeGaT Center For Human Genetics Tuebingen Variant Classification Criteria Version 2. Collection method: clinical testing. Allele origin: germline. Affected: yes. Observed: 1 variant allele.
Comment: KMT2D: PM2, PP2, PS2:Supporting, BP4

Juno Genomics, Hangzhou Juno Genomics, Inc
Classification: Uncertain significance for Choanal atresia-athelia-hypothyroidism-delayed puberty-short stature syndrome; Kabuki syndrome 1. Review status: criteria provided, single submitter. Criteria: ACMG Guidelines, 2015. Collection method: clinical testing. Allele origin: germline.
Comment: Absent from controls (or at extremely low frequency if recessive) in Genome Aggregation Database.;Missense variant in a gene that has a low rate of benign missense variation.